The following is an entry in ClinVar:

ClinVar aggregate classification (germline): Likely pathogenic. Review status: criteria provided, multiple submitters, no conflicts (2 of 4 stars). 2 submissions from 2 submitters: Likely pathogenic (2). Last evaluated 2021-12-08.

Conditions:
Microcephaly, normal intelligence and immunodeficiency (NBS). Also called: Microcephaly with normal intelligence immunodeficiency and lymphoreticular malignancies; Nonsyndromal microcephaly autosomal recessive with normal intelligence; Seemanova syndrome 2; SEEMANOVA SYNDROME II; BERLIN BREAKAGE SYNDROME; Immunodeficiency, microcephaly with normal intelligence. Identifiers: Orphanet 647, MedGen C0398791, MONDO:0009623, OMIM 251260.
Hereditary cancer-predisposing syndrome. Also called: Tumor predisposition; Neoplastic Syndromes, Hereditary; Hereditary neoplastic syndrome; Hereditary Cancer Syndrome. Identifiers: Orphanet 140162, MedGen C0027672, MeSH D009386, MONDO:0015356.

Allele frequency attached by ClinVar (database versions not stated): gnomAD exomes 0.00003.

Submissions (2):

Labcorp Genetics (formerly Invitae), Labcorp
Classification: Likely pathogenic for Microcephaly, normal intelligence and immunodeficiency. Last evaluated: 2021-12-08. Review status: criteria provided, single submitter. Criteria: Invitae Variant Classification Sherloc (09022015). Collection method: clinical testing. Allele origin: germline.
Comment: This sequence change affects a donor splice site in intron 10 of the NBN gene. It is expected to disrupt RNA splicing. Variants that disrupt the donor or acceptor splice site typically lead to a loss of protein function (PMID: 16199547), and loss-of-function variants in NBN are known to be pathogenic (PMID: 9590180, 16415040). This variant is not present in population databases (gnomAD no frequency). This variant has not been reported in the literature in individuals affected with NBN-related conditions. ClinVar contains an entry for this variant (Variation ID: 1068295). Algorithms developed to predict the effect of sequence changes on RNA splicing suggest that this variant may disrupt the consensus splice site. In summary, the currently available evidence indicates that the variant is pathogenic, but additional data are needed to prove that conclusively. Therefore, this variant has been classified as Likely Pathogenic.

Ambry Genetics
Classification: Likely pathogenic for Hereditary cancer-predisposing syndrome. Last evaluated: 2017-08-04. Review status: criteria provided, single submitter. Criteria: Ambry Variant Classification Scheme 2023. Collection method: clinical testing. Allele origin: germline.
Comment: The c.1397+1_1397+9delGTCTGTTTT intronic variant, located in intron 10 of the NBN gene, results from a deletion of 9 nucleotides within intron 10 of the NBN gene. The deleted nucleotide region is well conserved in available vertebrate species. Using two different splice site prediction tools, this alteration is predicted by BDGP to abolish the native splice donor site, but is not predicted to have a deleterious effect on this splice donor site by ESEfinder; however, direct evidence is unavailable. Alterations that disrupt the canonical splice site are expected to cause aberrant splicing, resulting in an abnormal protein or a transcript that is subject to nonsense-mediated mRNA decay. As such, this alteration is classified as likely pathogenic.

Literature cited by the submitters: PubMed 16199547 (cited by Labcorp Genetics (formerly Invitae), Labcorp); PubMed 9590180 (cited by Labcorp Genetics (formerly Invitae), Labcorp); PubMed 16415040 (cited by Labcorp Genetics (formerly Invitae), Labcorp).

NM_002485.5(NBN):c.1397+1_1397+9del

Gene: NBN (nibrin; minus strand). Cytogenetic location: 8q21.3.
Variant type: Deletion.
Coding change: c.1397+1_1397+9del on transcript NM_002485.5 (MANE Select); the canonical splice donor site of the intron after coding-DNA position 1397 through 9 bases into the intron after coding-DNA position 1397, 9 bases deleted (GTCTGTTTT; older notation c.1397+1_1397+9delGTCTGTTTT).
Molecular consequence: splice donor variant.
Genome position (GRCh38, 1-based): chr8:89,955,274-89,955,282, AAAACAGAC deleted on the plus strand (GTCTGTTTT on the coding strand, the reverse complement: NBN is on the minus strand). VCF-style (leftmost placement, unchanged base first): chr8-89955273-AAAAACAGAC-A. GRCh37 (hg19) VCF-style: chr8-90967501-AAAAACAGAC-A.
Other names: c.1151+1_1151+9del (NM_001024688.3).
Identifiers: ClinVar variation 1068295 (VCV001068295.4), dbSNP rs2129716262, ClinGen allele CA2499219424.
Genomic context (GRCh38, chr8:89,955,273, plus strand): 5'-CCATTCTACAACAGTATAAAAAACTTTCATTTTTTTTTCAGAGACATGAGAGAAGTTATC[AAAAACAGAC>A]CTTTTTTTGGTAGACGGCTGAAAGTAGTTTCTGATGGAGTTGGTCTGCTGCTGCTGAGAA-3'